The following is an entry in ClinVar:

NM_000350.3(ABCA4):c.2054C>T (p.Thr685Ile)

Gene: ABCA4 (ATP binding cassette subfamily A member 4; minus strand). Cytogenetic location: 1p22.1.
Variant type: single nucleotide variant.
Coding change: c.2054C>T on transcript NM_000350.3 (MANE Select); coding-DNA position 2054, C replaced by T.
Protein change: p.Thr685Ile; replaces threonine 685 with isoleucine.
Molecular consequence: missense variant.
Genome position (GRCh38, 1-based): chr1:94,060,643, G>A on the plus strand (C>T on the coding strand, the complement: ABCA4 is on the minus strand). VCF-style: chr1-94060643-G-A. GRCh37 (hg19) VCF-style: chr1-94526199-G-A.
Other names: c.2054C>T (NM_000350.2); c.2054C>T, p.Thr685Ile (NM_001425324.1); short protein forms T685I.
Identifiers: ClinVar variation 1369466 (VCV001369466.5), dbSNP rs1661097165, ClinGen allele CA341278643.

ClinVar aggregate classification (germline): Uncertain significance. Review status: criteria provided, multiple submitters, no conflicts (2 of 4 stars). 3 submissions from 3 submitters: Uncertain significance (3). Last evaluated 2026-02-26.

Conditions:
Inborn genetic diseases. Identifiers: MedGen C0950123, MeSH D030342.

Allele frequency attached by ClinVar (database versions not stated): gnomAD exomes below 0.00001; TOPMed 0.00001.
gnomAD v4.1: 1 of 1,614,092 alleles (0.000062%); highest among the groups gnomAD compares: Non-Finnish European, 0.000085%; no homozygotes.

Submissions (3):

Ambry Genetics
Classification: Uncertain significance for Inborn genetic diseases. Last evaluated: 2026-02-26. Review status: criteria provided, single submitter. Criteria: Ambry Variant Classification Scheme 2023. Collection method: clinical testing. Allele origin: germline.

Blueprint Genetics
Classification: Uncertain significance. Last evaluated: 2024-02-26. Review status: criteria provided, single submitter. Criteria: ACMG Guidelines, 2015. Collection method: clinical testing. Allele origin: germline.

Labcorp Genetics (formerly Invitae), Labcorp
Classification: Uncertain significance. Last evaluated: 2022-06-15. Review status: criteria provided, single submitter. Criteria: Invitae Variant Classification Sherloc (09022015). Collection method: clinical testing. Allele origin: germline.
Comment: This sequence change replaces threonine, which is neutral and polar, with isoleucine, which is neutral and non-polar, at codon 685 of the ABCA4 protein (p.Thr685Ile). This variant is not present in population databases (gnomAD no frequency). This variant has not been reported in the literature in individuals affected with ABCA4-related conditions. Algorithms developed to predict the effect of missense changes on protein structure and function (SIFT, PolyPhen-2, Align-GVGD) all suggest that this variant is likely to be disruptive. In summary, the available evidence is currently insufficient to determine the role of this variant in disease. Therefore, it has been classified as a Variant of Uncertain Significance.